The following is an entry in ClinVar:

ClinVar aggregate classification (germline): Conflicting classifications of pathogenicity. Review status: criteria provided, conflicting classifications (1 of 4 stars). 3 submissions from 3 submitters: Uncertain significance (1); Likely benign (2). Last evaluated 2025-11-10.

Conditions:
Hereditary cancer-predisposing syndrome. Also called: Hereditary Cancer Syndrome; Neoplastic Syndromes, Hereditary; Tumor predisposition; Hereditary neoplastic syndrome. Identifiers: Orphanet 140162, MedGen C0027672, MeSH D009386, MONDO:0015356.
Hereditary breast ovarian cancer syndrome. Also called: Hereditary breast and ovarian cancer syndrome; Hereditary breast and ovarian cancer; Hereditary breast and ovarian cancer syndrome (HBOC); Breast and ovarian cancer; Hereditary breast and/or ovarian cancer syndrome; BRCA1- and BRCA2-Associated Hereditary Breast and Ovarian Cancer. Identifiers: Orphanet 145, MedGen C0677776, MeSH D061325, MONDO:0003582. Disease mechanism: loss of function.

Allele frequency attached by ClinVar (database versions not stated): gnomAD exomes 0.00001 and 0.00002.
gnomAD v4.1: 6 of 1,613,960 alleles (0.00037%); highest among the groups gnomAD compares: South Asian, 0.0066%; no homozygotes.

Submissions (3):

Labcorp Genetics (formerly Invitae), Labcorp
Classification: Likely benign for Hereditary breast ovarian cancer syndrome. Last evaluated: 2025-11-10. Review status: criteria provided, single submitter. Criteria: Invitae Variant Classification Sherloc (09022015). Collection method: clinical testing. Allele origin: germline.

Quest Diagnostics Nichols Institute San Juan Capistrano
Classification: Uncertain significance. Last evaluated: 2025-10-21. Review status: criteria provided, single submitter. Criteria: Quest Diagnostics criteria. Collection method: clinical testing. Allele origin: unknown.
Comment: The BRCA2 c.2316T>C (p.Thr772=) synonymous variant has not been reported in individuals with BRCA2-related conditions in the published literature. The frequency of this variant in the general population (Genome Aggregation Database) is uninformative in the assessment of its pathogenicity. Analysis of this variant using software algorithms for the prediction of the effect of nucleotide changes on splicing yielded predictions that this variant does not affect BRCA2 mRNA splicing. Based on the available information, we are unable to determine the clinical significance of this variant.

Ambry Genetics
Classification: Likely benign for Hereditary cancer-predisposing syndrome. Last evaluated: 2017-07-24. Review status: criteria provided, single submitter. Criteria: Ambry Variant Classification Scheme 2023. Collection method: clinical testing. Allele origin: germline.

NM_000059.4(BRCA2):c.2316T>C (p.Thr772=)

Gene: BRCA2 (BRCA2 DNA repair associated; plus strand). Cytogenetic location: 13q13.1.
Variant type: single nucleotide variant.
Coding change: c.2316T>C on transcript NM_000059.4 (MANE Select); coding-DNA position 2316, T replaced by C.
Protein change: p.Thr772=; no amino-acid change (threonine 772 retained).
Molecular consequence: synonymous variant.
Genome position (GRCh38, 1-based): chr13:32,336,671, T>C. VCF-style: chr13-32336671-T-C. GRCh37 (hg19) VCF-style: chr13-32910808-T-C.
Identifiers: ClinVar variation 481492 (VCV000481492.15), dbSNP rs1200751613, ClinGen allele CA483437128.